The following is an entry in ClinVar:

ClinVar aggregate classification (germline): Benign/Likely benign. Review status: criteria provided, multiple submitters, no conflicts (2 of 4 stars). 5 submissions from 5 submitters: Benign (2); Likely benign (3). Last evaluated 2026-09-01.

Conditions:
Joubert syndrome. Also called: JOUBERT-BOLTSHAUSER SYNDROME; Familial aplasia of the vermis. Identifiers: Orphanet 475, MedGen C5979921, MONDO:0018772.
Joubert syndrome 3 (JBTS3). Also called: AHI1-related Ciliopathy. Identifiers: Orphanet 220493, MedGen C1837713, MONDO:0012078, OMIM 608629.
AHI1-related disorder. Also called: AHI1-related condition.

Allele frequency attached by ClinVar (database versions not stated): TOPMed 0.00002; gnomAD 0.00006; gnomAD exomes 0.00016 and 0.00029; 1000 Genomes Project 30x 0.00031; 1000 Genomes Project 0.00040; ExAC 0.00053.
gnomAD v4.1: 235 of 1,601,898 alleles (0.015%); highest among the groups gnomAD compares: South Asian, 0.25%; 5 homozygotes.

Submissions (5):

CeGaT Center for Human Genetics Tuebingen
Classification: Likely benign. Last evaluated: 2026-09-01. Review status: criteria provided, single submitter. Criteria: CeGaT Center For Human Genetics Tuebingen Variant Classification Criteria Version 2. Collection method: clinical testing. Allele origin: germline. Affected: yes. Observed: 1 variant allele.
Comment: AHI1: BP4

Labcorp Genetics (formerly Invitae), Labcorp
Classification: Benign for Joubert syndrome. Last evaluated: 2026-01-20. Review status: criteria provided, single submitter. Criteria: Invitae Variant Classification Sherloc (09022015). Collection method: clinical testing. Allele origin: germline.

PreventionGenetics, part of Exact Sciences
Classification: Likely benign for AHI1-related condition. Last evaluated: 2025-07-02. Review status: criteria provided, single submitter. Criteria: ACMG Guidelines, 2015. Collection method: clinical testing. Allele origin: germline.
Comment: This variant is classified as likely benign based on ACMG/AMP sequence variant interpretation guidelines (Richards et al. 2015 PMID: 25741868, with internal and published modifications).

Blueprint Genetics
Classification: Benign. Last evaluated: 2022-07-06. Review status: criteria provided, single submitter. Criteria: ACMG Guidelines, 2015. Collection method: clinical testing. Allele origin: germline.

Fulgent Genetics
Classification: Likely benign for Joubert syndrome 3. Last evaluated: 2021-11-12. Review status: criteria provided, single submitter. Criteria: ACMG Guidelines, 2015. Collection method: clinical testing. Allele origin: unknown.

NM_001134831.2(AHI1):c.1270A>G (p.Ile424Val)

Gene: AHI1 (Abelson helper integration site 1; minus strand). Cytogenetic location: 6q23.3.
Variant type: single nucleotide variant.
Coding change: c.1270A>G on transcript NM_001134831.2 (MANE Select); coding-DNA position 1270, A replaced by G.
Protein change: p.Ile424Val; replaces isoleucine 424 with valine.
Molecular consequence: missense variant.
Genome position (GRCh38, 1-based): chr6:135,455,808, T>C on the plus strand (A>G on the coding strand, the complement: AHI1 is on the minus strand). VCF-style: chr6-135455808-T-C. GRCh37 (hg19) VCF-style: chr6-135776946-T-C.
Other names: c.1270A>G, p.Ile424Val (NM_001134830.2, NM_001134832.2, NM_001350503.2 and 2 more transcripts); short protein forms I424V.
Identifiers: ClinVar variation 1598027 (VCV001598027.12), dbSNP rs562905902, ClinGen allele CA4012631.
Genomic context (GRCh38, chr6:135,455,808, plus strand): 5'-TGACTTTAGGACTCTCATCAGAGCCTCGAAGCAAATAGGGAAAATTTTCATTAAATACAA[T>C]TTGTTCTTCCCACTCTGGAAGTCTTGATTTTAACTGTTTAAAATCATATGGCTGGGTCAT-3'
Protein context (NP_001128303.1, residues 414-434): KSRLPEWEEQ[Ile424Val]VFNENFPYLL